The following is an entry in ClinVar:

NM_004260.4(RECQL4):c.3379C>T (p.Pro1127Ser)

Gene: RECQL4 (RecQ like helicase 4; minus strand). Cytogenetic location: 8q24.3.
Variant type: single nucleotide variant.
Coding change: c.3379C>T on transcript NM_004260.4 (MANE Select); coding-DNA position 3379, C replaced by T.
Protein change: p.Pro1127Ser; replaces proline 1127 with serine.
Molecular consequence: missense variant.
Genome position (GRCh38, 1-based): chr8:144,511,925, G>A on the plus strand (C>T on the coding strand, the complement: RECQL4 is on the minus strand). VCF-style: chr8-144511925-G-A. GRCh37 (hg19) VCF-style: chr8-145737308-G-A.
Other names: short protein forms P1127S.
Identifiers: ClinVar variation 459473 (VCV000459473.8), dbSNP rs1418891842, ClinGen allele CA372668031.

ClinVar aggregate classification (germline): Uncertain significance (1 of 4 stars; one submission).

Conditions:
Baller-Gerold syndrome (BGS). Also called: CRANIOSYNOSTOSIS WITH RADIAL DEFECTS. Identifiers: Orphanet 1225, MedGen C0265308, MONDO:0009039, OMIM 218600.

Allele frequency attached by ClinVar (database versions not stated): gnomAD exomes below 0.00001; TOPMed below 0.00001.
gnomAD v4.1: 4 of 1,610,964 alleles (0.00025%); highest among the groups gnomAD compares: Admixed American, 0.005%; no homozygotes.

Submission:

Labcorp Genetics (formerly Invitae), Labcorp
Classification: Uncertain significance for Baller-Gerold syndrome. Last evaluated: 2025-12-08. Review status: criteria provided, single submitter. Criteria: Invitae Variant Classification Sherloc (09022015). Collection method: clinical testing. Allele origin: germline.
Comment: This sequence change replaces proline, which is neutral and non-polar, with serine, which is neutral and polar, at codon 1127 of the RECQL4 protein (p.Pro1127Ser). This variant is present in population databases (no rsID available, gnomAD 0.003%). This variant has not been reported in the literature in individuals affected with RECQL4-related conditions. ClinVar contains an entry for this variant (Variation ID: 459473). Invitae Evidence Modeling of protein sequence and biophysical properties (such as structural, functional, and spatial information, amino acid conservation, physicochemical variation, residue mobility, and thermodynamic stability) indicates that this missense variant is not expected to disrupt RECQL4 protein function with a negative predictive value of 80%. In summary, the available evidence is currently insufficient to determine the role of this variant in disease. Therefore, it has been classified as a Variant of Uncertain Significance.